The following is an entry in ClinVar:

NM_001605.3(AARS1):c.63C>G (p.Asn21Lys)

Gene: AARS1 (alanyl-tRNA synthetase 1; minus strand). Cytogenetic location: 16q22.1.
Variant type: single nucleotide variant.
Coding change: c.63C>G on transcript NM_001605.3 (MANE Select); coding-DNA position 63, C replaced by G.
Protein change: p.Asn21Lys; replaces asparagine 21 with lysine.
Molecular consequence: missense variant.
Genome position (GRCh38, 1-based): chr16:70,282,701, G>C on the plus strand (C>G on the coding strand, the complement: AARS1 is on the minus strand). VCF-style: chr16-70282701-G-C. GRCh37 (hg19) VCF-style: chr16-70316604-G-C.
Other names: short protein forms N21K.
Identifiers: ClinVar variation 2195114 (VCV002195114.4), dbSNP rs773045737, ClinGen allele CA8141239.
Genomic context (GRCh38, chr16:70,282,701, plus strand): 5'-AAAGAGCAAAGTGGGGTCATCCAATGGGATGGTGGCAGACGAGTGAACATACGTATGCTC[G>C]TTCCTCTTGAAGAAATCTATAAATCGCTGCCGGATTTCACTTGCTGTTAGAGTAGAGTCC-3'
Protein context (NP_001596.2, residues 11-31): RQRFIDFFKR[Asn21Lys]EHTYVHSSAT

ClinVar aggregate classification (germline): Uncertain significance (1 of 4 stars; one submission).

Conditions:
Charcot-Marie-Tooth disease type 2. Also called: Charcot-Marie-Tooth type 2. Identifiers: Orphanet 64746, MedGen C0270914, MONDO:0018993.

Submission:

Labcorp Genetics (formerly Invitae), Labcorp
Classification: Uncertain significance for Charcot-Marie-Tooth disease type 2. Last evaluated: 2023-10-03. Review status: criteria provided, single submitter. Criteria: Invitae Variant Classification Sherloc (09022015). Collection method: clinical testing. Allele origin: germline.
Comment: This sequence change replaces asparagine, which is neutral and polar, with lysine, which is basic and polar, at codon 21 of the AARS protein (p.Asn21Lys). This variant is present in population databases (rs773045737, gnomAD 0.0009%). This variant has not been reported in the literature in individuals affected with AARS-related conditions. ClinVar contains an entry for this variant (Variation ID: 2195114). Advanced modeling of protein sequence and biophysical properties (such as structural, functional, and spatial information, amino acid conservation, physicochemical variation, residue mobility, and thermodynamic stability) performed at Invitae indicates that this missense variant is not expected to disrupt AARS protein function. In summary, the available evidence is currently insufficient to determine the role of this variant in disease. Therefore, it has been classified as a Variant of Uncertain Significance.